The following is an entry in ClinVar:

NM_004329.3(BMPR1A):c.24C>T (p.Ile8=)

Gene: BMPR1A (bone morphogenetic protein receptor type 1A; plus strand). Cytogenetic location: 10q23.2.
Variant type: single nucleotide variant.
Coding change: c.24C>T on transcript NM_004329.3 (MANE Select); coding-DNA position 24, C replaced by T.
Protein change: p.Ile8=; no amino-acid change (isoleucine 8 retained).
Molecular consequence: synonymous variant.
Genome position (GRCh38, 1-based): chr10:86,876,042, C>T. VCF-style: chr10-86876042-C-T. GRCh37 (hg19) VCF-style: chr10-88635799-C-T.
Identifiers: ClinVar variation 490988 (VCV000490988.15), dbSNP rs1554886810, ClinGen allele CA470365312.

ClinVar aggregate classification (germline): Benign/Likely benign. Review status: criteria provided, multiple submitters, no conflicts (2 of 4 stars). 4 submissions from 4 submitters: Benign (1); Likely benign (3). Last evaluated 2024-07-30.

Conditions:
Juvenile polyposis syndrome (JPS). Identifiers: Orphanet 2929, MedGen C0345893, MONDO:0017380, OMIM 174900.
Hereditary cancer-predisposing syndrome. Also called: Tumor predisposition; Neoplastic Syndromes, Hereditary; Hereditary Cancer Syndrome; Hereditary neoplastic syndrome. Identifiers: Orphanet 140162, MedGen C0027672, MeSH D009386, MONDO:0015356.

Allele frequency attached by ClinVar (database versions not stated): gnomAD exomes below 0.00001.
gnomAD v4.1: 1 of 1,611,528 alleles (0.000062%); highest among the groups gnomAD compares: Non-Finnish European, 0.000085%; no homozygotes.

Submissions (4):

Myriad Genetics, Inc.
Classification: Benign for Juvenile polyposis syndrome. Last evaluated: 2024-07-30. Review status: criteria provided, single submitter. Criteria: Myriad Autosomal Dominant, Autosomal Recessive and X-Linked Classification Criteria (2023). Collection method: clinical testing. Allele origin: unknown.
Comment: This variant is considered benign. This variant is a silent/synonymous amino acid change and it is not expected to impact splicing.

Labcorp Genetics (formerly Invitae), Labcorp
Classification: Likely benign for Juvenile polyposis syndrome. Last evaluated: 2022-10-13. Review status: criteria provided, single submitter. Criteria: Invitae Variant Classification Sherloc (09022015). Collection method: clinical testing. Allele origin: germline.

Ambry Genetics
Classification: Likely benign for Hereditary cancer-predisposing syndrome. Last evaluated: 2021-07-16. Review status: criteria provided, single submitter. Criteria: Ambry Variant Classification Scheme 2023. Collection method: clinical testing. Allele origin: germline.

Color Diagnostics, LLC DBA Color Health
Classification: Likely benign for Hereditary cancer-predisposing syndrome. Last evaluated: 2017-04-03. Review status: criteria provided, single submitter. Criteria: ACMG Guidelines, 2015. Collection method: clinical testing. Allele origin: germline.